The following is an entry in ClinVar:

ClinVar aggregate classification (germline): Uncertain significance (1 of 4 stars; one submission).

Allele frequency attached by ClinVar (database versions not stated): gnomAD 0.00001; gnomAD exomes 0.00001.
gnomAD v4.1: 16 of 1,613,978 alleles (0.00099%); highest among the groups gnomAD compares: African/African-American, 0.0013%; no homozygotes.

Submission:

Labcorp Genetics (formerly Invitae), Labcorp
Classification: Uncertain significance. Last evaluated: 2021-08-28. Review status: criteria provided, single submitter. Criteria: Invitae Variant Classification Sherloc (09022015). Collection method: clinical testing. Allele origin: germline.
Comment: In summary, the available evidence is currently insufficient to determine the role of this variant in disease. Therefore, it has been classified as a Variant of Uncertain Significance. Algorithms developed to predict the effect of sequence changes on RNA splicing suggest that this variant may disrupt the consensus splice site. This variant has not been reported in the literature in individuals affected with SZT2-related conditions. This variant is not present in population databases (ExAC no frequency). This sequence change falls in intron 33 of the SZT2 gene. It does not directly change the encoded amino acid sequence of the SZT2 protein.

NM_001365999.1(SZT2):c.5025-5A>G

Gene: SZT2 (SZT2 subunit of KICSTOR complex; plus strand). Cytogenetic location: 1p34.2.
Variant type: single nucleotide variant.
Coding change: c.5025-5A>G on transcript NM_001365999.1 (MANE Select); 5 bases into the intron before coding-DNA position 5025, A replaced by G.
Molecular consequence: intron variant.
Genome position (GRCh38, 1-based): chr1:43,431,455, A>G. VCF-style: chr1-43431455-A-G. GRCh37 (hg19) VCF-style: chr1-43897126-A-G.
Other names: c.4854-5A>G (NM_015284.4).
Identifiers: ClinVar variation 1378163 (VCV001378163.6), dbSNP rs1653866508, ClinGen allele CA1001094271.